The following is an entry in ClinVar:

NM_152564.5(VPS13B):c.5952T>G (p.Val1984=)

Gene: VPS13B (vacuolar protein sorting 13 homolog B; plus strand). Cytogenetic location: 8q22.2.
Variant type: single nucleotide variant.
Coding change: c.5952T>G on transcript NM_152564.5 (MANE Select); coding-DNA position 5952, T replaced by G.
Protein change: p.Val1984=; no amino-acid change (valine 1984 retained).
Molecular consequence: synonymous variant.
Genome position (GRCh38, 1-based): chr8:99,661,397, T>G. VCF-style: chr8-99661397-T-G. GRCh37 (hg19) VCF-style: chr8-100673625-T-G.
Other names: c.6027T>G, p.Val2009= (NM_017890.5).
Identifiers: ClinVar variation 3678579 (VCV003678579.9).
Genomic context (GRCh38, chr8:99,661,397, plus strand): 5'-CAATTTTGTCACTTTAGATCCTGGGAAGACTCTGCCTGAAGCCCTTGATTATTGCACTGT[T>G]TGGCTACAGACAGTGCCTGGAGAAATAGACAGCAAAAGTGGTATTCCACCTTCCTTTATA-3'
Protein context (NP_689777.3, residues 1974-1994): TLPEALDYCT[Val1984=]WLQTVPGEID

ClinVar aggregate classification (germline): Likely benign. Review status: criteria provided, multiple submitters, no conflicts (2 of 4 stars). 2 submissions from 2 submitters: Likely benign (2). Last evaluated 2025-03-01.

Conditions:
Cohen syndrome (COH1). Also called: PEPPER SYNDROME; Cutis verticis gyrata, retinitis pigmentosa, and sensorineural deafness. Identifiers: Orphanet 193, MedGen C0265223, MONDO:0008999, OMIM 216550.

gnomAD v4.1: 2 of 1,613,790 alleles (0.00012%); highest among the groups gnomAD compares: Non-Finnish European, 0.00017%; no homozygotes.

Submissions (2):

CeGaT Center for Human Genetics Tuebingen
Classification: Likely benign. Last evaluated: 2025-03-01. Review status: criteria provided, single submitter. Criteria: CeGaT Center For Human Genetics Tuebingen Variant Classification Criteria Version 2. Collection method: clinical testing. Allele origin: germline. Affected: yes. Observed: 1 variant allele.
Comment: VPS13B: BP4, BP7

Labcorp Genetics (formerly Invitae), Labcorp
Classification: Likely benign for Cohen syndrome. Last evaluated: 2024-08-12. Review status: criteria provided, single submitter. Criteria: Invitae Variant Classification Sherloc (09022015). Collection method: clinical testing. Allele origin: germline.